The following is an entry in ClinVar:

ClinVar aggregate classification (germline): Pathogenic (1 of 4 stars; one submission).

Conditions:
Early-infantile DEE. Also called: Early infantile epileptic encephalopathy; Early infantile epileptic encephalopathy with suppression bursts; Ohtahara syndrome. Identifiers: Orphanet 1934, MedGen C0393706, MONDO:0800491.

Submission:

Labcorp Genetics (formerly Invitae), Labcorp
Classification: Pathogenic for Early-infantile DEE. Last evaluated: 2023-10-30. Review status: criteria provided, single submitter. Criteria: Invitae Variant Classification Sherloc (09022015). Collection method: clinical testing. Allele origin: germline.
Comment: This sequence change replaces leucine, which is neutral and non-polar, with proline, which is neutral and non-polar, at codon 1324 of the SCN1A protein (p.Leu1324Pro). This variant is not present in population databases (gnomAD no frequency). This missense change has been observed in individual(s) with clinical features of SCN1A-related conditions (Invitae). In at least one individual the variant was observed to be de novo. Advanced modeling of protein sequence and biophysical properties (such as structural, functional, and spatial information, amino acid conservation, physicochemical variation, residue mobility, and thermodynamic stability) performed at Invitae indicates that this missense variant is expected to disrupt SCN1A protein function with a positive predictive value of 95%. For these reasons, this variant has been classified as Pathogenic.

NM_001165963.4(SCN1A):c.3971T>C (p.Leu1324Pro)

Genes: SCN1A (sodium voltage-gated channel alpha subunit 1; minus strand), LOC102724058 (uncharacterized LOC102724058; plus strand). Cytogenetic location: 2q24.3.
Variant type: single nucleotide variant.
Coding change: c.3971T>C on transcript NM_001165963.4 (MANE Select); coding-DNA position 3971, T replaced by C.
Protein change: p.Leu1324Pro; replaces leucine 1324 with proline.
Molecular consequence: missense variant. On other transcripts: non-coding transcript variant (1).
Genome position (GRCh38, 1-based): chr2:166,009,750, A>G on the plus strand (T>C on the coding strand, the complement: SCN1A is on the minus strand). VCF-style: chr2-166009750-A-G. GRCh37 (hg19) VCF-style: chr2-166866260-A-G.
Other names: c.3935T>C, p.Leu1312Pro (NM_001353955.2, NM_001353954.2); c.3887T>C, p.Leu1296Pro (NM_001353957.2, NM_001353958.2, NM_001165964.3); c.3884T>C, p.Leu1295Pro (NM_001353960.2); c.1529T>C, p.Leu510Pro (NM_001353961.2); c.3938T>C, p.Leu1313Pro (NM_006920.6, NM_001353949.2, NM_001353950.2 and 2 more transcripts); c.3971T>C, p.Leu1324Pro (NM_001202435.3, NM_001353948.2); short protein forms L1313P, L1324P, L1295P, L1312P, L510P, L1296P.
Identifiers: ClinVar variation 2839972 (VCV002839972.3), dbSNP rs2468493279, ClinGen allele CA349053002.